The following is an entry in ClinVar:

NM_033109.5(PNPT1):c.918+201T>C

Gene: PNPT1 (polyribonucleotide nucleotidyltransferase 1; minus strand). Cytogenetic location: 2p16.1.
Variant type: single nucleotide variant.
Coding change: c.918+201T>C on transcript NM_033109.5 (MANE Select); 201 bases into the intron after coding-DNA position 918, T replaced by C.
Molecular consequence: intron variant.
Genome position (GRCh38, 1-based): chr2:55,671,794, A>G on the plus strand (T>C on the coding strand, the complement: PNPT1 is on the minus strand). VCF-style: chr2-55671794-A-G. GRCh37 (hg19) VCF-style: chr2-55898929-A-G.
Identifiers: ClinVar variation 683564 (VCV000683564.2), dbSNP rs2627771, ClinGen allele CA11186682.
Genomic context (GRCh38, chr2:55,671,794, plus strand): 5'-TGAGGCATGAGAATCGCTGGAAGGCGAAAGTTGCAGTGAGCTGAGATCATGCCACTGCAC[A>G]CCAGCCTGGGCGACAGAGAGAGACTCTGTCTCAAAAACAAAACAAAACAAAAGAATGGAG-3'

ClinVar aggregate classification (germline): Benign. Review status: criteria provided, multiple submitters, no conflicts (2 of 4 stars). 2 submissions from 2 submitters: Benign (2). Last evaluated 2018-06-14.

Allele frequency attached by ClinVar (database versions not stated): 1000 Genomes Project 0.82708; 1000 Genomes Project 30x 0.83807; TOPMed 0.92730; gnomAD 0.92997 and 0.93905.
gnomAD v4.1: 141,548 of 152,276 alleles (93%); highest among the groups gnomAD compares: African/African-American, 96%; 66,334 homozygotes.

Submissions (2):

GeneDx
Classification: Benign. Last evaluated: 2018-06-14. Review status: criteria provided, single submitter. Criteria: GeneDx Variant Classification (06012015). Collection method: clinical testing. Allele origin: germline. Affected: yes.
Comment: This variant is considered likely benign or benign based on one or more of the following criteria: it is a conservative change, it occurs at a poorly conserved position in the protein, it is predicted to be benign by multiple in silico algorithms, and/or has population frequency not consistent with disease.

Breakthrough Genomics
Classification: Benign. Review status: criteria provided, single submitter. Criteria: ACMG Guidelines, 2015. Collection method: not provided. Allele origin: germline. Inheritance: Autosomal recessive inheritance. Affected: yes.